The following is an entry in ClinVar:

NM_001003800.2(BICD2):c.2547G>T (p.Lys849Asn)

Gene: BICD2 (BICD cargo adaptor 2; minus strand). Cytogenetic location: 9q22.31.
Variant type: single nucleotide variant.
Coding change: c.2547G>T on transcript NM_001003800.2 (MANE Select); coding-DNA position 2547, G replaced by T.
Protein change: p.Lys849Asn; replaces lysine 849 with asparagine.
Molecular consequence: missense variant. On other transcripts: intron variant (1).
Genome position (GRCh38, 1-based): chr9:92,715,175, C>A on the plus strand (G>T on the coding strand, the complement: BICD2 is on the minus strand). VCF-style: chr9-92715175-C-A. GRCh37 (hg19) VCF-style: chr9-95477457-C-A.
Other names: c.2469+78G>T (NM_015250.4); short protein forms K849N.
Identifiers: ClinVar variation 2910550 (VCV002910550.3), dbSNP rs1853276595, ClinGen allele CA374029150.
Genomic context (GRCh38, chr9:92,715,175, plus strand): 5'-AAGCAGATGTTAGCTGCAGCGTGCGGCGCCCCACAGCCCCTAATCACAGTAAATGCTGTG[C>A]TTCTCGCTGCAGAACACCTGGTTGGCCAGCCCGGTGCCCTCGGCCCTGTCGCTGGCACAG-3'
Protein context (NP_001003800.1, residues 839-855): GLANQVFCSE[Lys849Asn]HSIYCD

ClinVar aggregate classification (germline): Uncertain significance (1 of 4 stars; one submission).

Conditions:
Autosomal dominant childhood-onset proximal spinal muscular atrophy with contractures (SMALED2A). Also called: Spinal muscular atrophy, lower extremity-predominant, 2A, autosomal dominant; SPINAL MUSCULAR ATROPHY, LOWER EXTREMITY-PREDOMINANT, 2A, CHILDHOOD ONSET, AUTOSOMAL DOMINANT. Identifiers: Orphanet 363447, Orphanet 363454, MedGen C4747715, MONDO:0014121, OMIM 615290.

Allele frequency attached by ClinVar (database versions not stated): TOPMed 0.00001; gnomAD exomes below 0.00001.
gnomAD v4.1: 4 of 1,600,430 alleles (0.00025%); highest among the groups gnomAD compares: Middle Eastern, 0.018%; no homozygotes.

Submission:

Labcorp Genetics (formerly Invitae), Labcorp
Classification: Uncertain significance for Autosomal dominant childhood-onset proximal spinal muscular atrophy with contractures. Last evaluated: 2025-11-26. Review status: criteria provided, single submitter. Criteria: Invitae Variant Classification Sherloc (09022015). Collection method: clinical testing. Allele origin: germline.
Comment: This sequence change replaces lysine, which is basic and polar, with asparagine, which is neutral and polar, at codon 849 of the BICD2 protein (p.Lys849Asn). This variant is not present in population databases (gnomAD no frequency). This variant has not been reported in the literature in individuals affected with BICD2-related conditions. ClinVar contains an entry for this variant (Variation ID: 2910550). Invitae Evidence Modeling of protein sequence and biophysical properties (such as structural, functional, and spatial information, amino acid conservation, physicochemical variation, residue mobility, and thermodynamic stability) indicates that this missense variant is not expected to disrupt BICD2 protein function with a negative predictive value of 95%. In summary, the available evidence is currently insufficient to determine the role of this variant in disease. Therefore, it has been classified as a Variant of Uncertain Significance.